The following is an entry in ClinVar:

NM_152327.5(AK7):c.802C>T (p.His268Tyr)

Gene: AK7 (adenylate kinase 7; plus strand). Cytogenetic location: 14q32.2.
Variant type: single nucleotide variant.
Coding change: c.802C>T on transcript NM_152327.5 (MANE Select); coding-DNA position 802, C replaced by T.
Protein change: p.His268Tyr; replaces histidine 268 with tyrosine.
Molecular consequence: missense variant.
Genome position (GRCh38, 1-based): chr14:96,446,539, C>T. VCF-style: chr14-96446539-C-T. GRCh37 (hg19) VCF-style: chr14-96912876-C-T.
Other names: c.802C>T, p.His268Tyr (NM_001350888.2, NM_001350890.2, NM_001350891.2 and 1 more transcripts); short protein forms H268Y.
Identifiers: ClinVar variation 2094894 (VCV002094894.4), dbSNP rs2504501807, ClinGen allele CA390910683.

ClinVar aggregate classification (germline): Uncertain significance (1 of 4 stars; one submission).

Submission:

Labcorp Genetics (formerly Invitae), Labcorp
Classification: Uncertain significance. Last evaluated: 2022-02-08. Review status: criteria provided, single submitter. Criteria: Invitae Variant Classification Sherloc (09022015). Collection method: clinical testing. Allele origin: germline.
Comment: Algorithms developed to predict the effect of missense changes on protein structure and function are either unavailable or do not agree on the potential impact of this missense change (SIFT: "Tolerated"; PolyPhen-2: "Possibly Damaging"; Align-GVGD: "Class C0"). This variant has not been reported in the literature in individuals affected with AK7-related conditions. This variant is not present in population databases (gnomAD no frequency). This sequence change replaces histidine, which is basic and polar, with tyrosine, which is neutral and polar, at codon 268 of the AK7 protein (p.His268Tyr). In summary, the available evidence is currently insufficient to determine the role of this variant in disease. Therefore, it has been classified as a Variant of Uncertain Significance.